The following is an entry in ClinVar:

NM_032638.5(GATA2):c.607G>T (p.Ala203Ser)

Gene: GATA2 (GATA binding protein 2; minus strand). Cytogenetic location: 3q21.3.
Variant type: single nucleotide variant.
Coding change: c.607G>T on transcript NM_032638.5 (MANE Select); coding-DNA position 607, G replaced by T.
Protein change: p.Ala203Ser; replaces alanine 203 with serine.
Molecular consequence: missense variant.
Genome position (GRCh38, 1-based): chr3:128,485,991, C>A on the plus strand (G>T on the coding strand, the complement: GATA2 is on the minus strand). VCF-style: chr3-128485991-C-A. GRCh37 (hg19) VCF-style: chr3-128204834-C-A.
Other names: c.607G>T (NM_032638.4); c.607G>T, p.Ala203Ser (NM_001145661.2, NM_001145662.1); short protein forms A203S.
Identifiers: ClinVar variation 1480117 (VCV001480117.9), dbSNP rs1353988929, ClinGen allele CA354406427.

ClinVar aggregate classification (germline): Uncertain significance. Review status: criteria provided, multiple submitters, no conflicts (2 of 4 stars). 2 submissions from 2 submitters: Uncertain significance (2). Last evaluated 2023-12-06.

Conditions:
Inborn genetic diseases. Identifiers: MedGen C0950123, MeSH D030342.
Deafness-lymphedema-leukemia syndrome. Also called: Emberger syndrome; Lymphedema, primary, with myelodysplasia. Identifiers: Orphanet 3226, MedGen C3279664, MONDO:0013540, OMIM 614038.
Monocytopenia with susceptibility to infections. Also called: IMMUNODEFICIENCY 21; GATA2 DEFICIENCY; MONOCYTOPENIA AND MYCOBACTERIAL INFECTION SYNDROME; MONOCYTOPENIA WITH SUSCEPTIBILITY TO MYCOBACTERIAL, FUNGAL, AND PAPILLOMAVIRUS INFECTIONS AND MYELODYSPLASIA; COMBINED IMMUNODEFICIENCY WITH SUSCEPTIBILITY TO MYCOBACTERIAL, VIRAL, AND FUNGAL INFECTIONS; Dendritic cell, monocyte, B lymphocyte, and natural killer lymphocyte deficiency. Identifiers: Orphanet 228423, MedGen C3280030, MONDO:0013607, OMIM 614172.

Submissions (2):

Labcorp Genetics (formerly Invitae), Labcorp
Classification: Uncertain significance for Monocytopenia with susceptibility to infections; Deafness-lymphedema-leukemia syndrome. Last evaluated: 2023-12-06. Review status: criteria provided, single submitter. Criteria: Invitae Variant Classification Sherloc (09022015). Collection method: clinical testing. Allele origin: germline.
Comment: This sequence change replaces alanine, which is neutral and non-polar, with serine, which is neutral and polar, at codon 203 of the GATA2 protein (p.Ala203Ser). This variant is not present in population databases (gnomAD no frequency). This variant has not been reported in the literature in individuals affected with GATA2-related conditions. ClinVar contains an entry for this variant (Variation ID: 1480117). Advanced modeling of protein sequence and biophysical properties (such as structural, functional, and spatial information, amino acid conservation, physicochemical variation, residue mobility, and thermodynamic stability) performed at Invitae indicates that this missense variant is not expected to disrupt GATA2 protein function with a negative predictive value of 95%. In summary, the available evidence is currently insufficient to determine the role of this variant in disease. Therefore, it has been classified as a Variant of Uncertain Significance.

Ambry Genetics
Classification: Uncertain significance for Inborn genetic diseases. Last evaluated: 2021-09-17. Review status: criteria provided, single submitter. Criteria: Ambry Variant Classification Scheme 2023. Collection method: clinical testing. Allele origin: germline.